The following is an entry in ClinVar:

NM_001034850.3(RETREG1):c.440G>A (p.Trp147Ter)

Gene: RETREG1 (reticulophagy regulator 1; minus strand). Cytogenetic location: 5p15.1.
Variant type: single nucleotide variant.
Coding change: c.440G>A on transcript NM_001034850.3 (MANE Select); coding-DNA position 440, G replaced by A.
Protein change: p.Trp147Ter; replaces tryptophan 147 with a stop codon.
Molecular consequence: nonsense.
Genome position (GRCh38, 1-based): chr5:16,565,781, C>T on the plus strand (G>A on the coding strand, the complement: RETREG1 is on the minus strand). VCF-style: chr5-16565781-C-T. GRCh37 (hg19) VCF-style: chr5-16565890-C-T.
Other names: short protein forms W147*.
Identifiers: ClinVar variation 1903568 (VCV001903568.5), dbSNP rs2477698311, ClinGen allele CA359292272.

ClinVar aggregate classification (germline): Pathogenic (1 of 4 stars; one submission).

Submission:

Labcorp Genetics (formerly Invitae), Labcorp
Classification: Pathogenic. Last evaluated: 2022-07-28. Review status: criteria provided, single submitter. Criteria: Invitae Variant Classification Sherloc (09022015). Collection method: clinical testing. Allele origin: germline.
Comment: For these reasons, this variant has been classified as Pathogenic. Algorithms developed to predict the effect of sequence changes on RNA splicing suggest that this variant may disrupt the consensus splice site. This variant has not been reported in the literature in individuals affected with RETREG1-related conditions. This variant is not present in population databases (gnomAD no frequency). This sequence change creates a premature translational stop signal (p.Trp147*) in the RETREG1 gene. It is expected to result in an absent or disrupted protein product. Loss-of-function variants in RETREG1 are known to be pathogenic (PMID: 19838196).

Literature cited by the submitters: PubMed 19838196.